The following is an entry in ClinVar:

ClinVar aggregate classification (germline): Uncertain significance (1 of 4 stars; one submission).

Conditions:
SEMA3G-related disorder. Also called: SEMA3G-related condition.

Submission:

PreventionGenetics, part of Exact Sciences
Classification: Uncertain significance for SEMA3G-related condition. Last evaluated: 2025-05-13. Review status: criteria provided, single submitter. Criteria: ACMG Guidelines, 2015. Collection method: clinical testing. Allele origin: germline.
Comment: The SEMA3G c.1643C>G variant is predicted to result in the amino acid substitution p.Thr548Ser. To our knowledge, this variant has not been reported in the literature or in a large population database (gnomAD), indicating this variant is rare. At this time, the clinical significance of this variant is uncertain due to the absence of conclusive functional and genetic evidence.

NM_020163.3(SEMA3G):c.1643C>G (p.Thr548Ser)

Gene: SEMA3G (semaphorin 3G; minus strand). Cytogenetic location: 3p21.1.
Variant type: single nucleotide variant.
Coding change: c.1643C>G on transcript NM_020163.3 (MANE Select); coding-DNA position 1643, C replaced by G.
Protein change: p.Thr548Ser; replaces threonine 548 with serine.
Molecular consequence: missense variant.
Genome position (GRCh38, 1-based): chr3:52,438,066, G>C on the plus strand (C>G on the coding strand, the complement: SEMA3G is on the minus strand). VCF-style: chr3-52438066-G-C. GRCh37 (hg19) VCF-style: chr3-52472082-G-C.
Other names: short protein forms T548S.
Identifiers: ClinVar variation 4998597 (VCV004998597.1).